The following is an entry in ClinVar:

ClinVar aggregate classification (germline): Uncertain significance. Review status: criteria provided, multiple submitters, no conflicts (2 of 4 stars). 4 submissions from 4 submitters: Uncertain significance (4). Last evaluated 2026-01-07.

Conditions:
Inborn genetic diseases. Identifiers: MedGen C0950123, MeSH D030342.
AHDC1-related intellectual disability - obstructive sleep apnea - mild dysmorphism syndrome. Also called: Xia-Gibbs syndrome. Identifiers: Orphanet 412069, MedGen C4014419, MONDO:0014358, OMIM 615829.

Allele frequency attached by ClinVar (database versions not stated): gnomAD exomes below 0.00001; TOPMed 0.00001.
gnomAD v4.1: 12 of 1,613,116 alleles (0.00074%); highest among the groups gnomAD compares: African/African-American, 0.004%; no homozygotes.

Submissions (4):

Women's Health and Genetics/Laboratory Corporation of America, LabCorp
Classification: Uncertain significance. Last evaluated: 2026-01-07. Review status: criteria provided, single submitter. Criteria: LabCorp Variant Classification Summary - May 2015. Collection method: clinical testing. Allele origin: germline.
Comment: Variant summary: AHDC1 c.2419G>C (p.Glu807Gln) results in a conservative amino acid change in the encoded protein sequence. Algorithms developed to predict the effect of missense changes on protein structure and function all suggest that this variant is likely to be tolerated. The variant was absent in 247398 control chromosomes. The available data on variant occurrences in the general population are insufficient to allow any conclusion about variant significance. To our knowledge, no occurrence of c.2419G>C in individuals affected with AHDC1-related conditions and no experimental evidence demonstrating its impact on protein function have been reported. ClinVar contains an entry for this variant (Variation ID: 1030029). Based on the evidence outlined above, the variant was classified as uncertain significance.

Labcorp Genetics (formerly Invitae), Labcorp
Classification: Uncertain significance. Last evaluated: 2025-12-09. Review status: criteria provided, single submitter. Criteria: Invitae Variant Classification Sherloc (09022015). Collection method: clinical testing. Allele origin: germline.
Comment: This sequence change replaces glutamic acid, which is acidic and polar, with glutamine, which is neutral and polar, at codon 807 of the AHDC1 protein (p.Glu807Gln). This variant is not present in population databases (gnomAD no frequency). This variant has not been reported in the literature in individuals affected with AHDC1-related conditions. ClinVar contains an entry for this variant (Variation ID: 1030029). An algorithm developed to predict the effect of missense changes on protein structure and function (PolyPhen-2) suggests that this variant is likely to be disruptive. In summary, the available evidence is currently insufficient to determine the role of this variant in disease. Therefore, it has been classified as a Variant of Uncertain Significance.

Ambry Genetics
Classification: Uncertain significance for Inborn genetic diseases. Last evaluated: 2025-05-28. Review status: criteria provided, single submitter. Criteria: Ambry Variant Classification Scheme 2023. Collection method: clinical testing. Allele origin: germline.

Baylor Genetics
Classification: Uncertain significance for AHDC1-related intellectual disability - obstructive sleep apnea - mild dysmorphism syndrome. Last evaluated: 2019-07-13. Review status: criteria provided, single submitter. Criteria: ACMG Guidelines, 2015. Collection method: clinical testing. Allele origin: unknown. Affected: yes.
Comment: This variant was determined to be of uncertain significance according to ACMG Guidelines, 2015 [PMID:25741868].

NM_001371928.1(AHDC1):c.2419G>C (p.Glu807Gln)

Gene: AHDC1 (AT-hook DNA binding motif containing 1; minus strand). Cytogenetic location: 1p36.11.
Variant type: single nucleotide variant.
Coding change: c.2419G>C on transcript NM_001371928.1 (MANE Select); coding-DNA position 2419, G replaced by C.
Protein change: p.Glu807Gln; replaces glutamic acid 807 with glutamine.
Molecular consequence: missense variant.
Genome position (GRCh38, 1-based): chr1:27,549,697, C>G on the plus strand (G>C on the coding strand, the complement: AHDC1 is on the minus strand). VCF-style: chr1-27549697-C-G. GRCh37 (hg19) VCF-style: chr1-27876208-C-G.
Other names: c.2419G>C, p.Glu807Gln (NM_001029882.3); short protein forms E807Q.
Identifiers: ClinVar variation 1030029 (VCV001030029.6), dbSNP rs2019411101, ClinGen allele CA339231681.